The following is an entry in ClinVar:

ClinVar aggregate classification (germline): Pathogenic (1 of 4 stars; one submission).

Submission:

GeneDx
Classification: Pathogenic. Last evaluated: 2018-03-13. Review status: criteria provided, single submitter. Criteria: GeneDx Variant Classification (06012015). Collection method: clinical testing. Allele origin: germline. Affected: yes.
Comment: The c.1279_1280delGT variant in the LAMA2 gene has not been reported previously as a pathogenic variant nor as a benign variant, to our knowledge. The c.1279_1280delGT variant causes a frameshift starting with codon Valine 427, changes this amino acid to a Glutamine residue, and creates a premature Stop codon at position 3 of the new reading frame, denoted p.Val427GlnfsX3. This variant is predicted to cause loss of normal protein function either through protein truncation or nonsense-mediated mRNA decay. The c.1279_1280delGT variant is not observed in large population cohorts (Lek et al., 2016). We interpret c.1279_1280delGT as a pathogenic variant.

NM_000426.4(LAMA2):c.1279_1280del (p.Val427fs)

Gene: LAMA2 (laminin subunit alpha 2; plus strand). Cytogenetic location: 6q22.33.
Variant type: Microsatellite.
Coding change: c.1279_1280del on transcript NM_000426.4 (MANE Select); coding-DNA positions 1279 to 1280, 2 bases deleted (GT; older notation c.1279_1280delGT).
Protein change: p.Val427fs; shifts the reading frame from valine 427.
Molecular consequence: frameshift variant.
Genome position (GRCh38, 1-based): chr6:129,165,648-129,165,649, GT deleted; deleting any 2 consecutive bases within chr6:129,165,645-129,165,649 gives the same sequence; the c. name uses the placement nearest the transcript's 3' end. VCF-style (leftmost placement, unchanged base first): chr6-129165644-CTG-C. GRCh37 (hg19) VCF-style: chr6-129486789-CTG-C.
Other names: c.1279_1280del, p.Val427fs (NM_001079823.2); c.1279_1280delGT (NM_000426.3); short protein forms V427fs.
Identifiers: ClinVar variation 524014 (VCV000524014.2), dbSNP rs1554230429, ClinGen allele CA658796813.